The following is an entry in ClinVar:

ClinVar aggregate classification (germline): Uncertain significance (1 of 4 stars; one submission).

Allele frequency attached by ClinVar (database versions not stated): gnomAD 0.00001; gnomAD exomes 0.00001; TOPMed 0.00001.
gnomAD v4.1: 18 of 1,546,694 alleles (0.0012%); highest among the groups gnomAD compares: Non-Finnish European, 0.0014%; no homozygotes.

Submission:

Labcorp Genetics (formerly Invitae), Labcorp
Classification: Uncertain significance. Last evaluated: 2022-04-06. Review status: criteria provided, single submitter. Criteria: Invitae Variant Classification Sherloc (09022015). Collection method: clinical testing. Allele origin: germline.
Comment: This sequence change replaces glutamic acid, which is acidic and polar, with glutamine, which is neutral and polar, at codon 394 of the OTOG protein (p.Glu394Gln). This variant is not present in population databases (gnomAD no frequency). This variant has not been reported in the literature in individuals affected with OTOG-related conditions. Algorithms developed to predict the effect of missense changes on protein structure and function are either unavailable or do not agree on the potential impact of this missense change (SIFT: "Tolerated"; PolyPhen-2: "Probably Damaging"; Align-GVGD: "Class C0"). In summary, the available evidence is currently insufficient to determine the role of this variant in disease. Therefore, it has been classified as a Variant of Uncertain Significance.

NM_001292063.2(OTOG):c.1144G>C (p.Glu382Gln)

Gene: OTOG (otogelin; plus strand). Cytogenetic location: 11p15.1.
Variant type: single nucleotide variant.
Coding change: c.1144G>C on transcript NM_001292063.2 (MANE Select); coding-DNA position 1144, G replaced by C.
Protein change: p.Glu382Gln; replaces glutamic acid 382 with glutamine.
Molecular consequence: missense variant.
Genome position (GRCh38, 1-based): chr11:17,559,092, G>C. VCF-style: chr11-17559092-G-C. GRCh37 (hg19) VCF-style: chr11-17580639-G-C.
Other names: c.1180G>C, p.Glu394Gln (NM_001277269.2); short protein forms E394Q, E382Q.
Identifiers: ClinVar variation 1904502 (VCV001904502.5), dbSNP rs1208158757, ClinGen allele CA379816257.
Genomic context (GRCh38, chr11:17,559,092, plus strand): 5'-CCCTTGGTTTCTCTGCACAGATCAATGGGTGATGTAGCCACCTGGTGCCGGGCACTGGCG[G>C]AGTATGCCCGGGCGTGTGCCCAGGCAGGGCGGCCCTTGCAAGGCTGGAGGACCCAGCTCC-3'
Protein context (NP_001278992.1, residues 372-392): DVATWCRALA[Glu382Gln]YARACAQAGR